The following is an entry in ClinVar:

NM_001999.4(FBN2):c.2429-1G>A

Gene: FBN2 (fibrillin 2; minus strand). Cytogenetic location: 5q23.3.
Variant type: single nucleotide variant.
Coding change: c.2429-1G>A on transcript NM_001999.4 (MANE Select); the canonical splice acceptor site of the intron before coding-DNA position 2429, G replaced by A.
Molecular consequence: splice acceptor variant.
Genome position (GRCh38, 1-based): chr5:128,361,849, C>T on the plus strand (G>A on the coding strand, the complement: FBN2 is on the minus strand). VCF-style: chr5-128361849-C-T. GRCh37 (hg19) VCF-style: chr5-127697542-C-T.
Identifiers: ClinVar variation 858535 (VCV000858535.8), dbSNP rs1270553787, ClinGen allele CA360768186.

ClinVar aggregate classification (germline): Uncertain significance (1 of 4 stars; one submission).

Conditions:
Congenital contractural arachnodactyly (CCA). Also called: BEALS SYNDROME; Beals-Hecht syndrome; Arthrogryposis, distal, type 9. Identifiers: Orphanet 115, MedGen C0220668, MONDO:0007363, OMIM 121050.

Submission:

Labcorp Genetics (formerly Invitae), Labcorp
Classification: Uncertain significance for Congenital contractural arachnodactyly. Last evaluated: 2019-03-14. Review status: criteria provided, single submitter. Criteria: Invitae Variant Classification Sherloc (09022015). Collection method: clinical testing. Allele origin: germline.
Comment: Algorithms developed to predict the effect of sequence changes on RNA splicing suggest that this variant may disrupt the consensus splice site, but this prediction has not been confirmed by published transcriptional studies. The current clinical and genetic evidence is not sufficient to establish whether loss-of-function variants in FBN2 cause disease. In summary, the available evidence is currently insufficient to determine the role of this variant in disease. Therefore, it has been classified as a Variant of Uncertain Significance. This variant has not been reported in the literature in individuals with FBN2-related conditions. This sequence change affects an acceptor splice site in intron 18 of the FBN2 gene. It is expected to disrupt RNA splicing and likely results in an absent or disrupted protein product. This variant is not present in population databases (ExAC no frequency).